The following is an entry in ClinVar:

NM_003803.4(MYOM1):c.737G>A (p.Arg246Gln)

Gene: MYOM1 (myomesin 1; minus strand). Cytogenetic location: 18p11.31.
Variant type: single nucleotide variant.
Coding change: c.737G>A on transcript NM_003803.4 (MANE Select); coding-DNA position 737, G replaced by A.
Protein change: p.Arg246Gln; replaces arginine 246 with glutamine.
Molecular consequence: missense variant.
Genome position (GRCh38, 1-based): chr18:3,188,782, C>T on the plus strand (G>A on the coding strand, the complement: MYOM1 is on the minus strand). VCF-style: chr18-3188782-C-T. GRCh37 (hg19) VCF-style: chr18-3188780-C-T.
Other names: c.737G>A, p.Arg246Gln (NM_019856.2); short protein forms R246Q.
Identifiers: ClinVar variation 2741632 (VCV002741632.5), dbSNP rs1355025966, ClinGen allele CA401716470.

ClinVar aggregate classification (germline): Uncertain significance. Review status: criteria provided, multiple submitters, no conflicts (2 of 4 stars). 2 submissions from 2 submitters: Uncertain significance (2). Last evaluated 2025-06-15.

Conditions:
Hypertrophic cardiomyopathy. Also called: HYPERTROPHIC MYOCARDIOPATHY. Identifiers: Orphanet 217569, MedGen C0007194, MeSH D002312, MONDO:0005045, HP:0001639.

Submissions (2):

Labcorp Genetics (formerly Invitae), Labcorp
Classification: Uncertain significance for Hypertrophic cardiomyopathy. Last evaluated: 2025-06-15. Review status: criteria provided, single submitter. Criteria: Invitae Variant Classification Sherloc (09022015). Collection method: clinical testing. Allele origin: germline.
Comment: This sequence change replaces arginine, which is basic and polar, with glutamine, which is neutral and polar, at codon 246 of the MYOM1 protein (p.Arg246Gln). This variant is present in population databases (no rsID available, gnomAD 0.006%). This variant has not been reported in the literature in individuals affected with MYOM1-related conditions. ClinVar contains an entry for this variant (Variation ID: 2741632). Invitae Evidence Modeling of protein sequence and biophysical properties (such as structural, functional, and spatial information, amino acid conservation, physicochemical variation, residue mobility, and thermodynamic stability) has been performed for this missense variant. However, the output from this modeling did not meet the statistical confidence thresholds required to predict the impact of this variant on MYOM1 protein function. In summary, the available evidence is currently insufficient to determine the role of this variant in disease. Therefore, it has been classified as a Variant of Uncertain Significance.

Ambry Genetics
Classification: Uncertain significance. Last evaluated: 2025-04-13. Review status: criteria provided, single submitter. Criteria: Ambry Variant Classification Scheme 2023. Collection method: clinical testing. Allele origin: germline.